The following is an entry in ClinVar:

NM_000268.4(NF2):c.1493T>C (p.Phe498Ser)

Gene: NF2 (NF2, moesin-ezrin-radixin like (MERLIN) tumor suppressor; plus strand). Cytogenetic location: 22q12.2.
Variant type: single nucleotide variant.
Coding change: c.1493T>C on transcript NM_000268.4 (MANE Select); coding-DNA position 1493, T replaced by C.
Protein change: p.Phe498Ser; replaces phenylalanine 498 with serine.
Molecular consequence: missense variant. On other transcripts: non-coding transcript variant (1), intron variant (1).
Genome position (GRCh38, 1-based): chr22:29,678,242, T>C. VCF-style: chr22-29678242-T-C. GRCh37 (hg19) VCF-style: chr22-30074231-T-C.
Other names: c.1379T>C, p.Phe460Ser (NM_001407053.1, NM_001407056.1); c.1370T>C, p.Phe457Ser (NM_001407054.1, NM_001407058.1, NM_181829.3); c.1367T>C, p.Phe456Ser (NM_001407055.1, NM_181828.3); c.1358T>C, p.Phe453Ser (NM_001407057.1, NM_001407059.1); c.1493T>C, p.Phe498Ser (NM_001407060.1, NM_001407066.1, NM_016418.5 and 2 more transcripts); c.1235T>C, p.Phe412Ser (NM_001407062.1); c.1244T>C, p.Phe415Ser (NM_001407063.1, NM_001407064.1, NM_181830.3 and 1 more transcripts); c.959T>C, p.Phe320Ser (NM_001407065.1); and 2 more; short protein forms F415S, F421S, F453S, F456S, F460S, F498S, F320S, F412S.
Identifiers: ClinVar variation 4841338 (VCV004841338.1).

ClinVar aggregate classification (germline): Uncertain significance (1 of 4 stars; one submission).

Conditions:
Hereditary cancer-predisposing syndrome. Also called: Neoplastic Syndromes, Hereditary; Tumor predisposition; Hereditary Cancer Syndrome; Hereditary neoplastic syndrome. Identifiers: Orphanet 140162, MedGen C0027672, MeSH D009386, MONDO:0015356.

gnomAD v4.1: 1 of 1,614,154 alleles (0.000062%); highest among the groups gnomAD compares: Non-Finnish European, 0.000085%; no homozygotes.

Submission:

Ambry Genetics
Classification: Uncertain significance for Hereditary cancer-predisposing syndrome. Last evaluated: 2026-02-24. Review status: criteria provided, single submitter. Criteria: Ambry Variant Classification Scheme 2023. Collection method: clinical testing. Allele origin: germline.
Comment: The p.F498S variant (also known as c.1493T>C), located in coding exon 14 of the NF2 gene, results from a T to C substitution at nucleotide position 1493. The phenylalanine at codon 498 is replaced by serine, an amino acid with highly dissimilar properties. This amino acid position is conserved. In addition, the in silico prediction for this alteration is inconclusive. Based on the available evidence, the clinical significance of this variant remains unclear.